The following is an entry in ClinVar:

ClinVar aggregate classification (germline): Pathogenic (1 of 4 stars; one submission).

Submission:

Labcorp Genetics (formerly Invitae), Labcorp
Classification: Pathogenic. Last evaluated: 2023-12-09. Review status: criteria provided, single submitter. Criteria: Invitae Variant Classification Sherloc (09022015). Collection method: clinical testing. Allele origin: unknown.
Comment: This variant is a gross deletion of the genomic region encompassing exon(s) 5-7 of the TBCE gene. This deletion is out-of-frame, and is expected to create a premature termination codon and result in an absent or disrupted protein product. Loss-of-function variants in TBCE are known to be pathogenic (PMID: 27666369, 34134906, 34356170). This variant has not been reported in the literature in individuals affected with TBCE-related conditions. For these reasons, this variant has been classified as Pathogenic.

Literature cited by the submitters: PubMed 27666369; PubMed 34134906; PubMed 34356170.

NC_000001.10:g.(?_235582768)_(235594139_?)del

Gene: TBCE (tubulin folding cofactor E; plus strand). Cytogenetic location: 1q42.3.
Variant type: Deletion.
Identifiers: ClinVar variation 3247955 (VCV003247955.1).